The following is an entry in ClinVar:

ClinVar aggregate classification (germline): Uncertain significance (1 of 4 stars; one submission).

Conditions:
Baller-Gerold syndrome (BGS). Also called: CRANIOSYNOSTOSIS WITH RADIAL DEFECTS. Identifiers: Orphanet 1225, MedGen C0265308, MONDO:0009039, OMIM 218600.

Allele frequency attached by ClinVar (database versions not stated): ExAC 0.00006; ESP Exome Variant Server 0.00008.

Submission:

Labcorp Genetics (formerly Invitae), Labcorp
Classification: Uncertain significance for Baller-Gerold syndrome. Last evaluated: 2025-12-01. Review status: criteria provided, single submitter. Criteria: Invitae Variant Classification Sherloc (09022015). Collection method: clinical testing. Allele origin: germline.
Comment: This sequence change replaces leucine, which is neutral and non-polar, with valine, which is neutral and non-polar, at codon 927 of the RECQL4 protein (p.Leu927Val). This variant is present in population databases (rs372304382, gnomAD 0.006%), including at least one homozygous and/or hemizygous individual. This variant has not been reported in the literature in individuals affected with RECQL4-related conditions. ClinVar contains an entry for this variant (Variation ID: 663771). Invitae Evidence Modeling of protein sequence and biophysical properties (such as structural, functional, and spatial information, amino acid conservation, physicochemical variation, residue mobility, and thermodynamic stability) indicates that this missense variant is not expected to disrupt RECQL4 protein function with a negative predictive value of 80%. In summary, the available evidence is currently insufficient to determine the role of this variant in disease. Therefore, it has been classified as a Variant of Uncertain Significance.

NM_004260.4(RECQL4):c.2779C>G (p.Leu927Val)

Gene: RECQL4 (RecQ like helicase 4; minus strand). Cytogenetic location: 8q24.3.
Variant type: single nucleotide variant.
Coding change: c.2779C>G on transcript NM_004260.4 (MANE Select); coding-DNA position 2779, C replaced by G.
Protein change: p.Leu927Val; replaces leucine 927 with valine.
Molecular consequence: missense variant.
Genome position (GRCh38, 1-based): chr8:144,512,748, G>C on the plus strand (C>G on the coding strand, the complement: RECQL4 is on the minus strand). VCF-style: chr8-144512748-G-C. GRCh37 (hg19) VCF-style: chr8-145738131-G-C.
Other names: short protein forms L927V.
Identifiers: ClinVar variation 663771 (VCV000663771.5), dbSNP rs372304382, ClinGen allele CA4948076.
Genomic context (GRCh38, chr8:144,512,748, plus strand): 5'-GACGGCAATGGGTATAGGTGGTCGCCAGCAGCTCCAGCCAGTGGTGTGGGTGCAGCTCCA[G>C]GTAGCACAGCAAAGTCTCGATGGCTGGGGGCAGAGCAGGGCTCAGCGGACGCGGGGACAG-3'
Protein context (NP_004251.4, residues 917-937): EEAIETLLCY[Leu927Val]ELHPHHWLEL